The following is an entry in ClinVar:

NM_001122769.3(LCA5):c.239G>A (p.Arg80Gln)

Gene: LCA5 (lebercilin LCA5; minus strand). Cytogenetic location: 6q14.1.
Variant type: single nucleotide variant.
Coding change: c.239G>A on transcript NM_001122769.3 (MANE Select); coding-DNA position 239, G replaced by A.
Protein change: p.Arg80Gln; replaces arginine 80 with glutamine.
Molecular consequence: missense variant.
Genome position (GRCh38, 1-based): chr6:79,513,693, C>T on the plus strand (G>A on the coding strand, the complement: LCA5 is on the minus strand). VCF-style: chr6-79513693-C-T. GRCh37 (hg19) VCF-style: chr6-80223410-C-T.
Other names: c.239G>A, p.Arg80Gln (NM_181714.4); short protein forms R80Q.
Identifiers: ClinVar variation 2143300 (VCV002143300.1), dbSNP rs143229120, ClinGen allele CA3901161.
Genomic context (GRCh38, chr6:79,513,693, plus strand): 5'-ACAAGATCAGTATCTTTCCGAAGTGGCTCTCTATTGAGGCTCTGGGAGCGAAATCCCACT[C>T]GGACTCCCTTTCTGTTTGGTAGACCCTTAGGGCTTGGTTTCCGAGGGGCTAAAAAAGAAA-3'
Protein context (NP_001116241.1, residues 70-90): PKGLPNRKGV[Arg80Gln]VGFRSQSLNR

ClinVar aggregate classification (germline): Uncertain significance (1 of 4 stars; one submission).

Allele frequency attached by ClinVar (database versions not stated): gnomAD exomes 0.00002; ExAC 0.00005; TOPMed 0.00005; ESP Exome Variant Server 0.00008; gnomAD 0.00008.

Submission:

Labcorp Genetics (formerly Invitae), Labcorp
Classification: Uncertain significance. Last evaluated: 2022-08-19. Review status: criteria provided, single submitter. Criteria: Invitae Variant Classification Sherloc (09022015). Collection method: clinical testing. Allele origin: germline.
Comment: This sequence change replaces arginine, which is basic and polar, with glutamine, which is neutral and polar, at codon 80 of the LCA5 protein (p.Arg80Gln). This variant is present in population databases (rs143229120, gnomAD 0.02%), including at least one homozygous and/or hemizygous individual. This variant has not been reported in the literature in individuals affected with LCA5-related conditions. Algorithms developed to predict the effect of missense changes on protein structure and function output the following: SIFT: "Tolerated"; PolyPhen-2: "Benign"; Align-GVGD: "Class C0". The glutamine amino acid residue is found in multiple mammalian species, which suggests that this missense change does not adversely affect protein function. In summary, the available evidence is currently insufficient to determine the role of this variant in disease. Therefore, it has been classified as a Variant of Uncertain Significance.